The following is an entry in ClinVar:

ClinVar aggregate classification (germline): Pathogenic (1 of 4 stars; one submission).

Conditions:
Primary ciliary dyskinesia. Also called: Ciliary dyskinesia. Identifiers: Orphanet 244, MedGen C0008780, MONDO:0016575, HP:0012265.

Submission:

Labcorp Genetics (formerly Invitae), Labcorp
Classification: Pathogenic for Primary ciliary dyskinesia. Last evaluated: 2025-10-01. Review status: criteria provided, single submitter. Criteria: Invitae Variant Classification Sherloc (09022015). Collection method: clinical testing. Allele origin: germline.
Comment: This sequence change creates a premature translational stop signal (p.Glu968Glyfs*110) in the RPGR (ORF15) gene. While this is not anticipated to result in nonsense mediated decay, it is expected to disrupt the last 185 amino acid(s) of the RPGR (ORF15) protein. This variant is not present in population databases (gnomAD no frequency). This variant has not been reported in the literature in individuals affected with RPGR (ORF15)-related conditions. This variant disrupts a region of the RPGR (ORF15) protein in which other variant(s) (p.Asn1132Thrfs*20) have been determined to be pathogenic (PMID: 18552978, 25283059). This suggests that this is a clinically significant region of the protein, and that variants that disrupt it are likely to be disease-causing. For these reasons, this variant has been classified as Pathogenic.

Literature cited by the submitters: PubMed 18552978; PubMed 25283059.

NM_001034853.2(RPGR):c.2903_2904del (p.Glu968fs)

Gene: RPGR (retinitis pigmentosa GTPase regulator; minus strand). Cytogenetic location: Xp11.4.
Variant type: Microsatellite.
Coding change: c.2903_2904del on transcript NM_001034853.2 (MANE Select); coding-DNA positions 2903 to 2904, 2 bases deleted (AG; older notation c.2903_2904delAG).
Protein change: p.Glu968fs; shifts the reading frame from glutamic acid 968.
Molecular consequence: frameshift variant. On other transcripts: intron variant (8).
Genome position (GRCh38, 1-based): chrX:38,286,095-38,286,096, CT deleted on the plus strand (AG on the coding strand, the reverse complement: RPGR is on the minus strand); deleting any 2 consecutive bases within chrX:38,286,095-38,286,098 gives the same sequence; the c. name uses the placement nearest the transcript's 3' end. VCF-style (leftmost placement, unchanged base first): chrX-38286094-CCT-C. GRCh37 (hg19) VCF-style: chrX-38145347-CCT-C.
Other names: c.1569+4863_1569+4864del (NM_001367249.1, NM_001367250.1); c.1902+998_1902+999del (NM_001367245.1); c.1386+4863_1386+4864del (NM_001367251.1); c.1719+998_1719+999del (NM_001367246.1); c.1572+4863_1572+4864del (NM_001367247.1); c.1905+998_1905+999del (NM_000328.3); c.1602+4863_1602+4864del (NM_001367248.1); short protein forms E968fs.
Identifiers: ClinVar variation 4728280 (VCV004728280.1).